The following is an entry in ClinVar:

NM_001018113.3(FANCB):c.245T>C (p.Val82Ala)

Gene: FANCB (FA complementation group B; minus strand). Cytogenetic location: Xp22.2.
Variant type: single nucleotide variant.
Coding change: c.245T>C on transcript NM_001018113.3 (MANE Select); coding-DNA position 245, T replaced by C.
Protein change: p.Val82Ala; replaces valine 82 with alanine.
Molecular consequence: missense variant. On other transcripts: non-coding transcript variant (1).
Genome position (GRCh38, 1-based): chrX:14,865,266, A>G on the plus strand (T>C on the coding strand, the complement: FANCB is on the minus strand). VCF-style: chrX-14865266-A-G. GRCh37 (hg19) VCF-style: chrX-14883388-A-G.
Other names: c.245T>C, p.Val82Ala (NM_001324162.2, NM_152633.4); short protein forms V82A.
Identifiers: ClinVar variation 1505485 (VCV001505485.8), dbSNP rs2147447420, ClinGen allele CA412444948.

ClinVar aggregate classification (germline): Uncertain significance (1 of 4 stars; one submission).

Conditions:
Fanconi anemia (FA). Also called: Fanconi's anemia. Identifiers: Orphanet 84, MedGen C0015625, MeSH D005199, MONDO:0019391.

Submission:

Labcorp Genetics (formerly Invitae), Labcorp
Classification: Uncertain significance for Fanconi anemia. Last evaluated: 2021-02-18. Review status: criteria provided, single submitter. Criteria: Invitae Variant Classification Sherloc (09022015). Collection method: clinical testing. Allele origin: germline.
Comment: In summary, the available evidence is currently insufficient to determine the role of this variant in disease. Therefore, it has been classified as a Variant of Uncertain Significance. Algorithms developed to predict the effect of missense changes on protein structure and function output the following: SIFT: "Tolerated"; PolyPhen-2: "Possibly Damaging"; Align-GVGD: "Class C0". The alanine amino acid residue is found in multiple mammalian species, suggesting that this missense change does not adversely affect protein function. These predictions have not been confirmed by published functional studies and their clinical significance is uncertain. This variant has not been reported in the literature in individuals with FANCB-related conditions. This variant is not present in population databases (ExAC no frequency). This sequence change replaces valine with alanine at codon 82 of the FANCB protein (p.Val82Ala). The valine residue is moderately conserved and there is a small physicochemical difference between valine and alanine.